The following is an entry in ClinVar:

ClinVar aggregate classification (germline): Likely pathogenic (1 of 4 stars; one submission).

Conditions:
Arterial tortuosity syndrome (ATORS). Identifiers: Orphanet 3342, MedGen C1859726, MONDO:0008818, OMIM 208050.

Submission:

Labcorp Genetics (formerly Invitae), Labcorp
Classification: Likely pathogenic for Arterial tortuosity syndrome. Last evaluated: 2023-08-29. Review status: criteria provided, single submitter. Criteria: Invitae Variant Classification Sherloc (09022015). Collection method: clinical testing. Allele origin: germline.
Comment: ClinVar contains an entry for this variant (Variation ID: 535833). In summary, the currently available evidence indicates that the variant is pathogenic, but additional data are needed to prove that conclusively. Therefore, this variant has been classified as Likely Pathogenic. This variant disrupts the p.Arg132 amino acid residue in SLC2A10. Other variant(s) that disrupt this residue have been determined to be pathogenic (PMID: 17935213, 28726533, 29543232). This suggests that this residue is clinically significant, and that variants that disrupt this residue are likely to be disease-causing. Advanced modeling of protein sequence and biophysical properties (such as structural, functional, and spatial information, amino acid conservation, physicochemical variation, residue mobility, and thermodynamic stability) performed at Invitae indicates that this missense variant is expected to disrupt SLC2A10 protein function. This variant has not been reported in the literature in individuals affected with SLC2A10-related conditions. This variant is not present in population databases (gnomAD no frequency). This sequence change replaces arginine, which is basic and polar, with leucine, which is neutral and non-polar, at codon 132 of the SLC2A10 protein (p.Arg132Leu).

Literature cited by the submitters: PubMed 17935213; PubMed 28726533; PubMed 29543232.

NM_030777.4(SLC2A10):c.395G>T (p.Arg132Leu)

Gene: SLC2A10 (solute carrier family 2 member 10; plus strand). Cytogenetic location: 20q13.12.
Variant type: single nucleotide variant.
Coding change: c.395G>T on transcript NM_030777.4 (MANE Select); coding-DNA position 395, G replaced by T.
Protein change: p.Arg132Leu; replaces arginine 132 with leucine.
Molecular consequence: missense variant.
Genome position (GRCh38, 1-based): chr20:46,725,431, G>T. VCF-style: chr20-46725431-G-T. GRCh37 (hg19) VCF-style: chr20-45354070-G-T.
Other names: short protein forms R132L.
Identifiers: ClinVar variation 535833 (VCV000535833.7), dbSNP rs376346077, ClinGen allele CA409266928.